The following is an entry in ClinVar:

ClinVar aggregate classification (germline): Uncertain significance (1 of 4 stars; one submission).

Submission:

Dasa
Classification: Uncertain significance. Last evaluated: 2025-04-11. Review status: criteria provided, single submitter. Criteria: DASA Assertion Criteria. Collection method: clinical testing. Allele origin: germline.
Comment: NM_001348716.2(KDM6B):c.2613C>G (p.Phe871Leu) is a missense variant that results in the substitution of phenylalanine with leucine. This variant is absent from population databases. Computational prediction algorithms are consistent with a benign effect. The currently available literature and clinical evidence are not sufficient to establish a definitive association between this variant and the reported condition. Therefore, this variant is classified as a variant of uncertain significance.

NM_001348716.2(KDM6B):c.2613C>G (p.Phe871Leu)

Gene: KDM6B (lysine demethylase 6B; plus strand). Cytogenetic location: 17p13.1.
Variant type: single nucleotide variant.
Coding change: c.2613C>G on transcript NM_001348716.2 (MANE Select); coding-DNA position 2613, C replaced by G.
Protein change: p.Phe871Leu; replaces phenylalanine 871 with leucine.
Molecular consequence: missense variant.
Genome position (GRCh38, 1-based): chr17:7,848,901, C>G. VCF-style: chr17-7848901-C-G. GRCh37 (hg19) VCF-style: chr17-7752219-C-G.
Other names: c.2613C>G, p.Phe871Leu (NM_001080424.2); short protein forms F871L.
Identifiers: ClinVar variation 4883430 (VCV004883430.2).
Genomic context (GRCh38, chr17:7,848,901, plus strand): 5'-CTCAGCGGCCCCTAGCGCCCAGGGCTCCCCACAGCCCTCTGCTTCCTCGTCATCTCAGTT[C>G]TCTACCTCAGGCGGGCCCTGGGCCCGGGAGCGCAGGGCGGGCGAAGAGCCAGTCCCGGGC-3'
Protein context (NP_001335645.1, residues 861-881): PQPSASSSSQ[Phe871Leu]STSGGPWARE